The following is an entry in ClinVar:

NM_033068.3(ACP4):c.450+19C>T

Gene: ACP4 (acid phosphatase 4; plus strand). Cytogenetic location: 19q13.33.
Variant type: single nucleotide variant.
Coding change: c.450+19C>T on transcript NM_033068.3 (MANE Select); 19 bases into the intron after coding-DNA position 450, C replaced by T.
Molecular consequence: intron variant.
Genome position (GRCh38, 1-based): chr19:50,791,821, C>T. VCF-style: chr19-50791821-C-T. GRCh37 (hg19) VCF-style: chr19-51295078-C-T.
Identifiers: ClinVar variation 4536123 (VCV004536123.1).

ClinVar aggregate classification (germline): Likely benign (1 of 4 stars; one submission).

gnomAD v4.1: 9 of 1,574,744 alleles (0.00057%); highest among the groups gnomAD compares: South Asian, 0.0034%; no homozygotes.

Submission:

Women's Health and Genetics/Laboratory Corporation of America, LabCorp
Classification: Likely benign. Last evaluated: 2025-09-18. Review status: criteria provided, single submitter. Criteria: LabCorp Variant Classification Summary - May 2015. Collection method: clinical testing. Allele origin: germline.
Comment: Variant summary: ACP4 c.450+19C>T alters a nucleotide located at a position not widely known to affect splicing. Consensus agreement among computation tools predict no significant impact on normal splicing. However, these predictions have yet to be confirmed by functional studies. The variant allele was found at a frequency of 1.5e-05 in 199300 control chromosomes. The available data on variant occurrences in the general population are insufficient to allow any conclusion about variant significance. To our knowledge, no occurrence of c.450+19C>T in individuals affected with ACP4-related conditions and no experimental evidence demonstrating its impact on protein function have been reported. No submitters have cited clinical-significance assessments for this variant to ClinVar. Based on the evidence outlined above, the variant was classified as likely benign.